The following is an entry in ClinVar:

NM_022041.4(GAN):c.1239C>T (p.Ile413=)

Gene: GAN (gigaxonin; plus strand). Cytogenetic location: 16q23.2.
Variant type: single nucleotide variant.
Coding change: c.1239C>T on transcript NM_022041.4 (MANE Select); coding-DNA position 1239, C replaced by T.
Protein change: p.Ile413=; no amino-acid change (isoleucine 413 retained).
Molecular consequence: synonymous variant.
Genome position (GRCh38, 1-based): chr16:81,364,976, C>T. VCF-style: chr16-81364976-C-T. GRCh37 (hg19) VCF-style: chr16-81398581-C-T.
Other names: c.600C>T, p.Ile200= (NM_001377486.1).
Identifiers: ClinVar variation 261479 (VCV000261479.25), dbSNP rs61740238, ClinGen allele CA8191687.

ClinVar aggregate classification (germline): Benign/Likely benign. Review status: criteria provided, multiple submitters, no conflicts (2 of 4 stars). 8 submissions from 8 submitters: Benign (4); Likely benign (2). 2 of the submissions do not count toward it. Last evaluated 2026-01-27.

Conditions:
Giant axonal neuropathy 1 (GAN1). Also called: GIANT AXONAL NEUROPATHY 1, AUTOSOMAL RECESSIVE; GAN-Related Neurodegeneration. Identifiers: Orphanet 643, MedGen C1850386, MONDO:0009749, OMIM 256850.

Allele frequency attached by ClinVar (database versions not stated): gnomAD exomes 0.00049 and 0.00132; ExAC 0.00176; 1000 Genomes Project 0.00519; gnomAD 0.00561 and 0.00609; 1000 Genomes Project 30x 0.00562; TOPMed 0.00607; ESP Exome Variant Server 0.00707.
gnomAD v4.1: 1,613 of 1,613,822 alleles (0.1%); highest among the groups gnomAD compares: African/African-American, 1.9%; 12 homozygotes.

Submissions (8):

Labcorp Genetics (formerly Invitae), Labcorp
Classification: Benign for Giant axonal neuropathy 1. Last evaluated: 2026-01-27. Review status: criteria provided, single submitter. Criteria: Invitae Variant Classification Sherloc (09022015). Collection method: clinical testing. Allele origin: germline.

ARUP Laboratories, Molecular Genetics and Genomics, ARUP Laboratories
Classification: Benign for Giant axonal neuropathy 1. Last evaluated: 2021-09-27. Review status: criteria provided, single submitter. Criteria: ARUP Molecular Germline Variant Investigation Process 2021. Collection method: clinical testing. Allele origin: germline.

Fulgent Genetics
Classification: Likely benign for Giant axonal neuropathy 1. Last evaluated: 2021-09-17. Review status: criteria provided, single submitter. Criteria: ACMG Guidelines, 2015. Collection method: clinical testing. Allele origin: unknown.

GeneDx
Classification: Benign. Last evaluated: 2018-12-20. Review status: criteria provided, single submitter. Criteria: GeneDx Variant Classification Process June 2021. Collection method: clinical testing. Allele origin: germline. Affected: yes.

Illumina Laboratory Services, Illumina
Classification: Likely benign for Giant axonal neuropathy 1. Last evaluated: 2017-04-27. Review status: criteria provided, single submitter. Criteria: ICSL Variant Classification Criteria 13 December 2019. Collection method: clinical testing. Allele origin: germline.
Comment: This variant was observed as part of a predisposition screen in an ostensibly healthy population. A literature search was performed for the gene, cDNA change, and amino acid change (where applicable). No publications were found based on this search. Allele frequency data from public databases allowed determination this variant is unlikely to cause disease. Therefore, this variant is classified as likely benign.

PreventionGenetics, part of Exact Sciences
Classification: Benign. Review status: criteria provided, single submitter. Criteria: ACMG Guidelines, 2015. Collection method: clinical testing. Allele origin: germline.

Clinical Genetics DNA and cytogenetics Diagnostics Lab, Erasmus MC, Erasmus Medical Center
Classification: Benign. Review status: no assertion criteria provided. Collection method: clinical testing. Allele origin: germline. Affected: yes. Study: VKGL Data-share Consensus. Not counted in ClinVar's aggregate classification.

Clinical Genetics, Academic Medical Center
Classification: Benign. Review status: no assertion criteria provided. Collection method: clinical testing. Allele origin: germline. Affected: yes. Study: VKGL Data-share Consensus. Not counted in ClinVar's aggregate classification.